The following continues an entry in ClinVar:

NM_001267550.2(TTN):c.63589A>G (p.Ile21197Val)

ClinVar aggregate classification (germline): Conflicting classifications of pathogenicity. Uncertain significance (8); Benign (4); Likely benign (8).

Submissions 18 to 23 of 23:

Eurofins Ntd Llc (ga)
Classification: Uncertain significance. Last evaluated: 2017-12-07. Review status: criteria provided, single submitter. Criteria: EGL Classification Definitions 2015. Collection method: clinical testing. Allele origin: germline. Observed: 7 variant alleles, 7 heterozygotes.

Laboratory for Molecular Medicine, Mass General Brigham Personalized Medicine
Classification: Uncertain significance. Last evaluated: 2015-04-04. Review status: criteria provided, single submitter. Criteria: LMM Criteria. Collection method: clinical testing. Allele origin: germline. Observed: 4 variant alleles.
Comment: Variant classified as Uncertain Significance - Favor Benign. This v ariant has also been identified in 0.1% (18/16250) of South Asian chromosomes by the Exome Aggregation Consortium (ExAC; dbSNP r s72646855). Isoleucine (Ile) at position 18629 is not conserved in mammals or ev olutionarily distant species. Of note, Xenopus tropicalis and 9 different fish s pecies carry a valine (Val) at this position, raising the possibility that this change may be tolerated. Additional computational prediction tools support that the p.Ile18629Val variant may not impact the protein. In summary, while the clin ical significance of the p.Ile18629Val variant is uncertain, its frequency and p resence in other species suggests that it is more likely to be benign.

Biesecker Lab/Clinical Genomics Section, National Institutes of Health
Classification: Uncertain significance. Last evaluated: 2013-06-24. Review status: criteria provided, single submitter. Criteria: Ng et al. (Circ Cardiovasc Genet. 2013). Collection method: research. Allele origin: unknown. Observed: 1 variant allele. Study: ClinSeq.
Comment: The study set was not selected for affection status in relation to any cancer. Pathogenicity categories were based on literature curation. See Pubmed ID:23861362 for details.

Medical sequencing

Clinical Genetics, Academic Medical Center
Classification: Benign. Review status: no assertion criteria provided. Collection method: clinical testing. Allele origin: germline. Affected: yes. Study: VKGL Data-share Consensus. Not counted in ClinVar's aggregate classification.

Genome Diagnostics Laboratory, University Medical Center Utrecht
Classification: Likely benign. Review status: no assertion criteria provided. Collection method: clinical testing. Allele origin: germline. Affected: yes. Study: VKGL Data-share Consensus. Not counted in ClinVar's aggregate classification.

Joint Genome Diagnostic Labs from Nijmegen and Maastricht, Radboudumc and MUMC+
Classification: Likely benign. Review status: no assertion criteria provided. Collection method: clinical testing. Allele origin: germline. Affected: yes. Study: VKGL Data-share Consensus. Not counted in ClinVar's aggregate classification.

Literature cited by the submitters: PubMed 35207729 (cited by Athena Diagnostics); PubMed 29970176 (cited by Athena Diagnostics); PubMed 28771489 (cited by Athena Diagnostics); PubMed 28045975 (cited by Athena Diagnostics).